The following is an entry in ClinVar:

ClinVar aggregate classification (germline): Uncertain significance. Review status: criteria provided, multiple submitters, no conflicts (2 of 4 stars). 2 submissions from 2 submitters: Uncertain significance (2). Last evaluated 2025-08-07.

Conditions:
Hereditary pancreatitis (PCTT). Also called: Hereditary chronic pancreatitis; PRSS1-Related Hereditary Pancreatitis. Identifiers: Orphanet 676, MedGen C0238339, MONDO:0008185, OMIM 167800.

Allele frequency attached by ClinVar (database versions not stated): ExAC 0.00004; gnomAD exomes 0.00004; gnomAD 0.00005; ESP Exome Variant Server 0.00008; TOPMed 0.00008.
gnomAD v4.1: 65 of 1,614,074 alleles (0.004%); highest among the groups gnomAD compares: Admixed American, 0.012%; no homozygotes.

Submissions (2):

Labcorp Genetics (formerly Invitae), Labcorp
Classification: Uncertain significance. Last evaluated: 2025-08-07. Review status: criteria provided, single submitter. Criteria: Invitae Variant Classification Sherloc (09022015). Collection method: clinical testing. Allele origin: germline.
Comment: This sequence change replaces arginine, which is basic and polar, with glutamine, which is neutral and polar, at codon 181 of the CPA1 protein (p.Arg181Gln). This variant is present in population databases (rs377042960, gnomAD 0.01%). This variant has not been reported in the literature in individuals affected with CPA1-related conditions. ClinVar contains an entry for this variant (Variation ID: 825728). Invitae Evidence Modeling of protein sequence and biophysical properties (such as structural, functional, and spatial information, amino acid conservation, physicochemical variation, residue mobility, and thermodynamic stability) indicates that this missense variant is expected to disrupt CPA1 protein function with a positive predictive value of 80%. Experimental studies have shown that this missense change affects CPA1 function (PMID: 23955596). In summary, the available evidence is currently insufficient to determine the role of this variant in disease. Therefore, it has been classified as a Variant of Uncertain Significance.

Ambry Genetics
Classification: Uncertain significance for Hereditary pancreatitis. Last evaluated: 2024-04-16. Review status: criteria provided, single submitter. Criteria: Ambry Variant Classification Scheme 2023. Collection method: clinical testing. Allele origin: germline.
Comment: The p.R181Q variant (also known as c.542G>A), located in coding exon 5 of the CPA1 gene, results from a G to A substitution at nucleotide position 542. The arginine at codon 181 is replaced by glutamine, an amino acid with highly similar properties. This variant has been detected in an individual from a pancreatitis control cohort, and in vitro studies by one group indicated this variant may result in reduced protein secretion and enzyme activity (Witt H et al. Nat. Genet., 2013 Oct;45:1216-20). This amino acid position is highly conserved in available vertebrate species. In addition, this alteration is predicted to be deleterious by in silico analysis. Based on the available evidence, the clinical significance of this variant remains unclear.

Literature cited by the submitters: PubMed 23955596 (cited by Labcorp Genetics (formerly Invitae), Labcorp and Ambry Genetics).

NM_001868.4(CPA1):c.542G>A (p.Arg181Gln)

Gene: CPA1 (carboxypeptidase A1; plus strand). Cytogenetic location: 7q32.2.
Variant type: single nucleotide variant.
Coding change: c.542G>A on transcript NM_001868.4 (MANE Select); coding-DNA position 542, G replaced by A.
Protein change: p.Arg181Gln; replaces arginine 181 with glutamine.
Molecular consequence: missense variant.
Genome position (GRCh38, 1-based): chr7:130,383,449, G>A. VCF-style: chr7-130383449-G-A. GRCh37 (hg19) VCF-style: chr7-130023290-G-A.
Other names: short protein forms R181Q.
Identifiers: ClinVar variation 825728 (VCV000825728.10), dbSNP rs377042960, ClinGen allele CA4484833.
Genomic context (GRCh38, chr7:130,383,449, plus strand): 5'-AGTTCAGCACGGGGGGCAGTAAGCGTCCAGCCATCTGGATCGACACGGGCATCCATTCCC[G>A]GGAGTGGGTCACCCAGGCCAGTGGGGTCTGGTTTGCAAAGAAGGTAAGGCCGGGGAGGTG-3'
Protein context (NP_001859.1, residues 171-191): AIWIDTGIHS[Arg181Gln]EWVTQASGVW